The following is an entry in ClinVar:

NM_001384910.1(GUCA1A):c.219_221dup (p.Phe73_Met74insIle)

Genes: GUCA1A (guanylate cyclase activator 1A; plus strand), GUCA1ANB-GUCA1A (GUCA1ANB-GUCA1A readthrough; plus strand). Cytogenetic location: 6p21.1.
Variant type: Duplication.
Coding change: c.219_221dup on transcript NM_001384910.1 (MANE Select); coding-DNA positions 219 to 221, 3 bases duplicated (CAT; older notation c.219_221dupCAT).
Protein change: p.Phe73_Met74insIle.
Molecular consequence: inframe insertion.
Genome position (GRCh38, 1-based): chr6:42,178,297-42,178,299, CAT duplicated; duplicating any 3 consecutive bases within chr6:42,178,296-42,178,299 gives the same sequence; the c. name uses the placement nearest the transcript's 3' end. VCF-style (leftmost placement, unchanged base first): chr6-42178295-T-TTCA. GRCh37 (hg19) VCF-style: chr6-42146033-T-TTCA.
Other names: c.219_221dup, p.Phe73_Met74insIle (NM_000409.5, NM_001319061.2, NM_001319062.2); c.219_221dup (NM_000409.3).
Identifiers: ClinVar variation 1359190 (VCV001359190.9), dbSNP rs2113837570, ClinGen allele CA2573140839.

ClinVar aggregate classification (germline): Uncertain significance. Review status: criteria provided, multiple submitters, no conflicts (2 of 4 stars). 2 submissions from 2 submitters: Uncertain significance (2). Last evaluated 2024-03-26.

Submissions (2):

GeneDx
Classification: Uncertain significance. Last evaluated: 2024-03-26. Review status: criteria provided, single submitter. Criteria: GeneDx Variant Classification Process June 2021. Collection method: clinical testing. Allele origin: germline. Affected: yes.
Comment: Has not been previously published as pathogenic or benign to our knowledge; In-frame insertion of 1 amino acid in a non-repeat region; Not observed at significant frequency in large population cohorts (gnomAD)

Labcorp Genetics (formerly Invitae), Labcorp
Classification: Uncertain significance. Last evaluated: 2022-07-06. Review status: criteria provided, single submitter. Criteria: Invitae Variant Classification Sherloc (09022015). Collection method: clinical testing. Allele origin: germline.
Comment: This variant is not present in population databases (gnomAD no frequency). This variant, c.219_221dup, results in the insertion of 1 amino acid(s) of the GUCA1A protein (p.Phe73_Met74insIle), but otherwise preserves the integrity of the reading frame. This variant has not been reported in the literature in individuals affected with GUCA1A-related conditions. In summary, the available evidence is currently insufficient to determine the role of this variant in disease. Therefore, it has been classified as a Variant of Uncertain Significance. Experimental studies and prediction algorithms are not available or were not evaluated, and the functional significance of this variant is currently unknown. ClinVar contains an entry for this variant (Variation ID: 1359190).